The following is an entry in ClinVar:

ClinVar aggregate classification (germline): Benign. Review status: criteria provided, multiple submitters, no conflicts (2 of 4 stars). 2 submissions from 2 submitters: Benign (2). Last evaluated 2018-01-13.

Conditions:
Methylmalonate semialdehyde dehydrogenase deficiency (MMSDHD). Also called: MMSDH DEFICIENCY. Identifiers: Orphanet 289307, MedGen C3279840, MONDO:0013579, OMIM 614105.

Allele frequency attached by ClinVar (database versions not stated): gnomAD exomes 0.00144; gnomAD 0.01603 and 0.01721; 1000 Genomes Project 0.01797; TOPMed 0.01823; 1000 Genomes Project 30x 0.01921.
gnomAD v4.1: 2,531 of 233,632 alleles (1.1%); highest among the groups gnomAD compares: African/African-American, 5.4%; 64 homozygotes.

Submissions (2):

Illumina Laboratory Services, Illumina
Classification: Benign for Methylmalonate semialdehyde dehydrogenase deficiency. Last evaluated: 2018-01-13. Review status: criteria provided, single submitter. Criteria: ICSL Variant Classification Criteria 13 December 2019. Collection method: clinical testing. Allele origin: germline.
Comment: This variant was observed in the ICSL laboratory as part of a predisposition screen in an ostensibly healthy population. It had not been previously curated by ICSL or reported in the Human Gene Mutation Database (HGMD: prior to June 1st, 2018), and was therefore a candidate for classification through an automated scoring system. Utilizing variant allele frequency, disease prevalence and penetrance estimates, and inheritance mode, an automated score was calculated to assess if this variant is too frequent to cause the disease. Based on the score and internal cut-off values, a variant classified as benign is not then subjected to further curation. The score for this variant resulted in a classification of benign for this disease.

Breakthrough Genomics
Classification: Benign. Review status: criteria provided, single submitter. Criteria: ACMG Guidelines, 2015. Collection method: not provided. Allele origin: germline. Inheritance: Autosomal recessive inheritance. Affected: yes.

NM_005589.4(ALDH6A1):c.*1015C>T

Genes: ALDH6A1 (aldehyde dehydrogenase 6 family member A1; minus strand), BBOF1 (basal body orientation factor 1; plus strand). Cytogenetic location: 14q24.3.
Variant type: single nucleotide variant.
Coding change: c.*1015C>T on transcript NM_005589.4 (MANE Select); 1015 bases downstream of the stop codon, C replaced by T.
Molecular consequence: 3 prime UTR variant. On other transcripts: intron variant (1).
Genome position (GRCh38, 1-based): chr14:74,059,627, G>A on the plus strand (C>T on the coding strand, the complement: ALDH6A1 is on the minus strand). VCF-style: chr14-74059627-G-A. GRCh37 (hg19) VCF-style: chr14-74526330-G-A.
Other names: c.*1015C>T (NM_001278593.2, NM_001278594.2); c.1578+2369G>A (NM_025057.3).
Identifiers: ClinVar variation 888078 (VCV000888078.5), dbSNP rs144507608, ClinGen allele CA263534189.